The following is an entry in ClinVar:

NM_021625.5(TRPV4):c.1391G>T (p.Arg464Leu)

Gene: TRPV4 (transient receptor potential cation channel subfamily V member 4; minus strand). Cytogenetic location: 12q24.11.
Variant type: single nucleotide variant.
Coding change: c.1391G>T on transcript NM_021625.5 (MANE Select); coding-DNA position 1391, G replaced by T.
Protein change: p.Arg464Leu; replaces arginine 464 with leucine.
Molecular consequence: missense variant.
Genome position (GRCh38, 1-based): chr12:109,794,429, C>A on the plus strand (G>T on the coding strand, the complement: TRPV4 is on the minus strand). VCF-style: chr12-109794429-C-A. GRCh37 (hg19) VCF-style: chr12-110232234-C-A.
Other names: c.1070G>T, p.Arg357Leu (NM_001177433.2); c.1211G>T, p.Arg404Leu (NM_147204.3); c.1250G>T, p.Arg417Leu (NM_001177428.2); c.1289G>T, p.Arg430Leu (NM_001177431.2); short protein forms R417L, R404L, R430L, R357L, R464L.
Identifiers: ClinVar variation 3002739 (VCV003002739.4), dbSNP rs758206734, ClinGen allele CA386653102.

ClinVar aggregate classification (germline): Uncertain significance. Review status: criteria provided, multiple submitters, no conflicts (2 of 4 stars). 2 submissions from 2 submitters: Uncertain significance (2). Last evaluated 2023-11-09.

Conditions:
Inborn genetic diseases. Identifiers: MedGen C0950123, MeSH D030342.
Charcot-Marie-Tooth disease axonal type 2C (HMSN2C). Also called: CHARCOT-MARIE-TOOTH DISEASE, AXONAL, AUTOSOMAL DOMINANT, TYPE 2C; Charcot-Marie-Tooth Neuropathy Type 2C; Charcot-Marie-Tooth Disease Type 2, TRPV4-Related (CMT2C). Identifiers: Orphanet 99937, MedGen C1853710, MONDO:0011633, OMIM 606071.

gnomAD v4.1: 8 of 1,614,054 alleles (0.0005%); highest among the groups gnomAD compares: Admixed American, 0.0017%; no homozygotes.

Submissions (2):

Labcorp Genetics (formerly Invitae), Labcorp
Classification: Uncertain significance for Charcot-Marie-Tooth disease axonal type 2C. Last evaluated: 2023-11-09. Review status: criteria provided, single submitter. Criteria: Invitae Variant Classification Sherloc (09022015). Collection method: clinical testing. Allele origin: germline.
Comment: This sequence change replaces arginine, which is basic and polar, with leucine, which is neutral and non-polar, at codon 464 of the TRPV4 protein (p.Arg464Leu). This variant is present in population databases (no rsID available, gnomAD 0.0009%). This variant has not been reported in the literature in individuals affected with TRPV4-related conditions. Advanced modeling of protein sequence and biophysical properties (such as structural, functional, and spatial information, amino acid conservation, physicochemical variation, residue mobility, and thermodynamic stability) performed at Invitae indicates that this missense variant is not expected to disrupt TRPV4 protein function with a negative predictive value of 95%. In summary, the available evidence is currently insufficient to determine the role of this variant in disease. Therefore, it has been classified as a Variant of Uncertain Significance.

Ambry Genetics
Classification: Uncertain significance for Inborn genetic diseases. Last evaluated: 2023-09-20. Review status: criteria provided, single submitter. Criteria: Ambry Variant Classification Scheme 2023. Collection method: clinical testing. Allele origin: germline.